The following is an entry in ClinVar:

ClinVar aggregate classification (germline): Pathogenic. Review status: criteria provided, multiple submitters, no conflicts (2 of 4 stars). 5 submissions from 5 submitters: Pathogenic (5). Last evaluated 2025-09-17.

Conditions:
Familial adenomatous polyposis 4 (FAP4). Also called: MSH3-related attenuated familial adenomatous polyposis. Identifiers: Orphanet 480536, MedGen C4310719, MONDO:0044300, OMIM 617100.
Hereditary cancer-predisposing syndrome. Also called: Tumor predisposition; Hereditary neoplastic syndrome; Neoplastic Syndromes, Hereditary; Hereditary Cancer Syndrome. Identifiers: Orphanet 140162, MedGen C0027672, MeSH D009386, MONDO:0015356.
Endometrial carcinoma. Also called: Endometrial carcinoma, somatic. Identifiers: MedGen C0476089, MONDO:0002447, OMIM 608089, HP:0012114.

Allele frequency attached by ClinVar (database versions not stated): gnomAD exomes below 0.00001.

Submissions (5):

Labcorp Genetics (formerly Invitae), Labcorp
Classification: Pathogenic. Last evaluated: 2025-09-17. Review status: criteria provided, single submitter. Criteria: Invitae Variant Classification Sherloc (09022015). Collection method: clinical testing. Allele origin: germline.
Comment: This sequence change creates a premature translational stop signal (p.Leu347*) in the MSH3 gene. It is expected to result in an absent or disrupted protein product. Loss-of-function variants in MSH3 are known to be pathogenic (PMID: 27476653, 37402566). This variant is not present in population databases (gnomAD no frequency). This premature translational stop signal has been observed in individual(s) with Lynch syndrome (PMID: 28528517). ClinVar contains an entry for this variant (Variation ID: 809772). For these reasons, this variant has been classified as Pathogenic.

Ambry Genetics
Classification: Pathogenic for Hereditary cancer-predisposing syndrome. Last evaluated: 2025-01-10. Review status: criteria provided, single submitter. Criteria: Ambry Variant Classification Scheme 2023. Collection method: clinical testing. Allele origin: germline.
Comment: The c.1035delT pathogenic mutation, located in coding exon 7 of the MSH3 gene, results from a deletion of one nucleotide at nucleotide position 1035, causing a translational frameshift with a predicted alternate stop codon (p.L347*). This alteration has been previously identified in an individual meeting Amsterdam criteria who was also found to carry the MSH6 pathogenic mutation c.3969_3979delTGAGAAGATGA (Morak M et al. Fam. Cancer, 2017 Oct;16:491-500). This variant is considered to be rare based on population cohorts in the Genome Aggregation Database (gnomAD). This alteration is expected to result in loss of function by premature protein truncation or nonsense-mediated mRNA decay. As such, this alteration is interpreted as a disease-causing mutation.

CeGaT Center for Human Genetics Tuebingen
Classification: Pathogenic. Last evaluated: 2024-03-01. Review status: criteria provided, single submitter. Criteria: CeGaT Center For Human Genetics Tuebingen Variant Classification Criteria Version 2. Collection method: clinical testing. Allele origin: germline. Affected: yes. Observed: 3 variant alleles.
Comment: MSH3: PVS1, PM2, PM3

Baylor Genetics
Classification: Pathogenic for Endometrial carcinoma. Last evaluated: 2024-01-11. Review status: criteria provided, single submitter. Criteria: ACMG Guidelines, 2015. Collection method: clinical testing. Allele origin: unknown.

Myriad Genetics, Inc.
Classification: Pathogenic for Familial adenomatous polyposis 4. Last evaluated: 2023-08-29. Review status: criteria provided, single submitter. Criteria: Myriad Autosomal Dominant, Autosomal Recessive and X-Linked Classification Criteria (2023). Collection method: clinical testing. Allele origin: unknown.
Comment: This variant is considered pathogenic. This variant creates a termination codon and is predicted to result in premature protein truncation.

Literature cited by the submitters: PubMed 27476653 (cited by Labcorp Genetics (formerly Invitae), Labcorp); PubMed 37402566 (cited by Labcorp Genetics (formerly Invitae), Labcorp); PubMed 28528517 (cited by Labcorp Genetics (formerly Invitae), Labcorp and Ambry Genetics).

NM_002439.5(MSH3):c.1035del (p.Pro346_Leu347insTer)

Gene: MSH3 (mutS homolog 3; plus strand). Cytogenetic location: 5q14.1.
Variant type: Deletion.
Coding change: c.1035del on transcript NM_002439.5 (MANE Select); coding-DNA position 1035, one base deleted (T; older notation c.1035delT).
Protein change: p.Pro346_Leu347insTer.
Molecular consequence: frameshift variant.
Genome position (GRCh38, 1-based): chr5:80,674,990, T deleted. VCF-style (leftmost placement, unchanged base first): chr5-80674989-AT-A. GRCh37 (hg19) VCF-style: chr5-79970808-AT-A.
Identifiers: ClinVar variation 809772 (VCV000809772.55), dbSNP rs1580553607, ClinGen allele CA915943432.